The following is an entry in ClinVar:

NM_014271.4(IL1RAPL1):c.1039G>A (p.Val347Ile)

Gene: IL1RAPL1 (interleukin 1 receptor accessory protein like 1; plus strand). Cytogenetic location: Xp21.2.
Variant type: single nucleotide variant.
Coding change: c.1039G>A on transcript NM_014271.4 (MANE Select); coding-DNA position 1039, G replaced by A.
Protein change: p.Val347Ile; replaces valine 347 with isoleucine.
Molecular consequence: missense variant.
Genome position (GRCh38, 1-based): chrX:29,920,076, G>A. VCF-style: chrX-29920076-G-A. GRCh37 (hg19) VCF-style: chrX-29938193-G-A.
Other names: short protein forms V347I.
Identifiers: ClinVar variation 733581 (VCV000733581.31), dbSNP rs200419221, ClinGen allele CA10375515.

ClinVar aggregate classification (germline): Likely benign. Review status: criteria provided, multiple submitters, no conflicts (2 of 4 stars). 2 submissions from 2 submitters: Likely benign (2). Last evaluated 2025-03-17.

Allele frequency attached by ClinVar (database versions not stated): ExAC 0.00002; gnomAD 0.00005; TOPMed 0.00006.
gnomAD v4.1: 58 of 1,209,940 alleles (0.0048%); highest among the groups gnomAD compares: East Asian, 0.003%; no homozygotes.

Submissions (2):

Labcorp Genetics (formerly Invitae), Labcorp
Classification: Likely benign. Last evaluated: 2025-03-17. Review status: criteria provided, single submitter. Criteria: Invitae Variant Classification Sherloc (09022015). Collection method: clinical testing. Allele origin: germline.

CeGaT Center for Human Genetics Tuebingen
Classification: Likely benign. Last evaluated: 2023-05-01. Review status: criteria provided, single submitter. Criteria: CeGaT Center For Human Genetics Tuebingen Variant Classification Criteria Version 2. Collection method: clinical testing. Allele origin: germline. Affected: yes. Observed: 1 variant allele.
Comment: IL1RAPL1: BP4